The following is an entry in ClinVar:

ClinVar aggregate classification (germline): Uncertain significance (1 of 4 stars; one submission).

Submission:

Labcorp Genetics (formerly Invitae), Labcorp
Classification: Uncertain significance. Last evaluated: 2024-06-01. Review status: criteria provided, single submitter. Criteria: Invitae Variant Classification Sherloc (09022015). Collection method: clinical testing. Allele origin: germline.
Comment: This variant results in the deletion of part of exon 6 (c.665-12_668del) of the IL12RB2 gene. It is expected to disrupt RNA splicing. Variants that disrupt the donor or acceptor splice site typically lead to a loss of protein function (PMID: 16199547), however the current clinical and genetic evidence is not sufficient to establish whether loss-of-function variants in IL12RB2 cause disease. This variant is not present in population databases (gnomAD no frequency). This variant has not been reported in the literature in individuals affected with IL12RB2-related conditions. In summary, the available evidence is currently insufficient to determine the role of this variant in disease. Therefore, it has been classified as a Variant of Uncertain Significance.

Literature cited by the submitters: PubMed 16199547.

NM_001374259.2(IL12RB2):c.665-12_668del

Gene: IL12RB2 (interleukin 12 receptor subunit beta 2; plus strand). Cytogenetic location: 1p31.3.
Variant type: Deletion.
Coding change: c.665-12_668del on transcript NM_001374259.2 (MANE Select); 12 bases into the intron before coding-DNA position 665 through coding-DNA position 668, 16 bases deleted (CCTGGTTACTAGTGAG).
Molecular consequence: splice acceptor variant.
Genome position (GRCh38, 1-based): chr1:67,329,575-67,329,590, CCTGGTTACTAGTGAG deleted. VCF-style (leftmost placement, unchanged base first): chr1-67329574-TCCTGGTTACTAGTGAG-T. GRCh37 (hg19) VCF-style: chr1-67795257-TCCTGGTTACTAGTGAG-T.
Other names: c.665-12_668del (NM_001258214.1, NM_001319233.1, NM_001258216.1 and 2 more transcripts).
Identifiers: ClinVar variation 3655258 (VCV003655258.2).